The following is an entry in ClinVar:

ClinVar aggregate classification (germline): Uncertain significance (1 of 4 stars; one submission).

Conditions:
Autosomal dominant nocturnal frontal lobe epilepsy 5. Also called: Epilepsy, nocturnal frontal lobe, 5; CILIARY DYSKINESIA, PRIMARY, 28, WITHOUT SITUS INVERSUS; CILIARY DYSKINESIA, PRIMARY, 28, WITH SITUS INVERSUS; KCNT1-Related Epilepsy. Identifiers: Orphanet 98784, MedGen C3554306, MONDO:0014002, OMIM 615005.
Developmental and epileptic encephalopathy, 14 (DEE14). Also called: Early infantile epileptic encephalopathy 14. Identifiers: Orphanet 293181, MedGen C3554195, MONDO:0013989, OMIM 614959.

Allele frequency attached by ClinVar (database versions not stated): gnomAD exomes below 0.00001; TOPMed below 0.00001; ExAC 0.00001.

Submission:

Labcorp Genetics (formerly Invitae), Labcorp
Classification: Uncertain significance for Autosomal dominant nocturnal frontal lobe epilepsy 5; Developmental and epileptic encephalopathy, 14. Last evaluated: 2025-09-09. Review status: criteria provided, single submitter. Criteria: Invitae Variant Classification Sherloc (09022015). Collection method: clinical testing. Allele origin: germline.
Comment: This sequence change replaces glutamic acid, which is acidic and polar, with lysine, which is basic and polar, at codon 392 of the KCNT1 protein (p.Glu392Lys). This variant is present in population databases (rs780708628, gnomAD 0.003%). This variant has not been reported in the literature in individuals affected with KCNT1-related conditions. ClinVar contains an entry for this variant (Variation ID: 473356). Invitae Evidence Modeling of protein sequence and biophysical properties (such as structural, functional, and spatial information, amino acid conservation, physicochemical variation, residue mobility, and thermodynamic stability) indicates that this missense variant is expected to disrupt KCNT1 protein function with a positive predictive value of 80%. In summary, the available evidence is currently insufficient to determine the role of this variant in disease. Therefore, it has been classified as a Variant of Uncertain Significance.

NM_020822.3(KCNT1):c.1174G>A (p.Glu392Lys)

Gene: KCNT1 (potassium sodium-activated channel subfamily T member 1; plus strand). Cytogenetic location: 9q34.3.
Variant type: single nucleotide variant.
Coding change: c.1174G>A on transcript NM_020822.3 (MANE Select); coding-DNA position 1174, G replaced by A.
Protein change: p.Glu392Lys; replaces glutamic acid 392 with lysine.
Molecular consequence: missense variant.
Genome position (GRCh38, 1-based): chr9:135,765,169, G>A. VCF-style: chr9-135765169-G-A. GRCh37 (hg19) VCF-style: chr9-138657015-G-A.
Other names: c.1039G>A, p.Glu347Lys (NM_001272003.2); short protein forms E392K, E347K.
Identifiers: ClinVar variation 473356 (VCV000473356.9), dbSNP rs780708628, ClinGen allele CA5326789.